The following is an entry in ClinVar:

ClinVar aggregate classification (germline): Pathogenic. Review status: reviewed by expert panel (3 of 4 stars). 2 submissions from 2 submitters: Pathogenic (1). 1 of the submissions does not count toward it. Last evaluated 2020-09-08.

Conditions:
Glanzmann thrombasthenia 1 (GT1). Also called: BLEEDING DISORDER, PLATELET-TYPE, 2; GP IIb-IIIa COMPLEX DEFICIENCY; GLYCOPROTEIN COMPLEX IIb-IIIa DEFICIENCY; PLATELET FIBRINOGEN RECEPTOR DEFICIENCY. Identifiers: MedGen CN300358, MONDO:0031332, OMIM 273800.
Glanzmann thrombasthenia. Also called: THROMBASTHENIA OF GLANZMANN AND NAEGELI; Thrombasthenia; Glanzmann's thrombasthenia; PLATELET GLYCOPROTEIN IIb-IIIa DEFICIENCY. Identifiers: Orphanet 849, MedGen C0040015, MONDO:0100326.

Allele frequency attached by ClinVar (database versions not stated): gnomAD exomes below 0.00001; TOPMed below 0.00001.
gnomAD v4.1: 2 of 1,612,300 alleles (0.00012%); highest among the groups gnomAD compares: African/African-American, 0.0027%; no homozygotes.

Submissions (2):

ClinGen Platelet Disorders Variant Curation Expert Panel, ClinGen
Classification: Pathogenic for Glanzmann thrombasthenia. Last evaluated: 2020-09-08. Review status: reviewed by expert panel. Criteria: ClinGen Platelet ACMG Specifications v2-1. Collection method: curation. Allele origin: germline. Inheritance: Autosomal recessive inheritance.
Comment: The ITGA2B missense variant c.257T>C (p.Leu86Pro), is demonstrated to cause reduced integrin surface expression in transfection experiments in COS7 cells (PMID: 12181054). The variant is absent from population databases. It has a REVEL score >0.7 (0.859). At least 2 compound heterozygous probands are reported in the literature (PMID: 12181054, 25728920). One proband has the pathogenic c.1440-13_1440-1del variant (assessed by Platelet Disorders VCEP) in trans (without phase confirmation). In summary, based on the available evidence at this time, the Leu86Pro variant is classified "Pathogenic". GT-specific criteria applied: PS3_Moderate, PM2_Supporting, PM3, PP3, PP4_Strong.

Women's Health and Genetics/Laboratory Corporation of America, LabCorp
Classification: Likely pathogenic for Glanzmann thrombasthenia 1. Last evaluated: 2024-09-18. Review status: criteria provided, single submitter. Criteria: LabCorp Variant Classification Summary - May 2015. Collection method: clinical testing. Allele origin: germline. Not counted in ClinVar's aggregate classification.
Comment: Variant summary: ITGA2B c.257T>C (p.Leu86Pro) results in a non-conservative amino acid change in the encoded protein sequence. Five of five in-silico tools predict a damaging effect of the variant on protein function. The variant was absent in 243976 control chromosomes. c.257T>C has been reported in the literature in individuals affected with Glanzmann thrombasthenia 1 (Nurden_2015, Tanaka_2002). These data indicate that the variant may be associated with disease. At least one publication reports experimental evidence evaluating an impact on protein function. The most pronounced variant effect results in reduced integrin complex surface expression (Tanaka_2002). The following publications have been ascertained in the context of this evaluation (PMID: 25728920, 37647632, 12181054). ClinVar contains an entry for this variant (Variation ID: 953037). Based on the evidence outlined above, the variant was classified as likely pathogenic.

Literature cited by the submitters: PubMed 12181054 (cited by ClinGen Platelet Disorders Variant Curation Expert Panel, ClinGen and Women's Health and Genetics/Laboratory Corporation of America, LabCorp); PubMed 25728920 (cited by ClinGen Platelet Disorders Variant Curation Expert Panel, ClinGen and Women's Health and Genetics/Laboratory Corporation of America, LabCorp); PubMed 37647632 (cited by Women's Health and Genetics/Laboratory Corporation of America, LabCorp).

NM_000419.5(ITGA2B):c.257T>C (p.Leu86Pro)

Gene: ITGA2B (integrin subunit alpha 2b; minus strand). Cytogenetic location: 17q21.31.
Variant type: single nucleotide variant.
Coding change: c.257T>C on transcript NM_000419.5 (MANE Select); coding-DNA position 257, T replaced by C.
Protein change: p.Leu86Pro; replaces leucine 86 with proline.
Molecular consequence: missense variant.
Genome position (GRCh38, 1-based): chr17:44,386,063, A>G on the plus strand (T>C on the coding strand, the complement: ITGA2B is on the minus strand). VCF-style: chr17-44386063-A-G. GRCh37 (hg19) VCF-style: chr17-42463431-A-G.
Other names: short protein forms L86P.
Identifiers: ClinVar variation 953037 (VCV000953037.3), dbSNP rs1052533574, ClinGen allele CA290956162.